The following is an entry in ClinVar:

ClinVar aggregate classification (germline): Likely benign (0 of 4 stars; one submission).

Conditions:
UNC13A-related disorder. Also called: UNC13A-related condition.

Allele frequency attached by ClinVar (database versions not stated): TOPMed 0.00004; gnomAD 0.00005; gnomAD exomes 0.00005; ExAC 0.00008; ESP Exome Variant Server 0.00008; 1000 Genomes Project 30x 0.00016; 1000 Genomes Project 0.00020.
gnomAD v4.1: 83 of 1,613,680 alleles (0.0051%); highest among the groups gnomAD compares: Non-Finnish European, 0.0064%; no homozygotes.

Submission:

PreventionGenetics, part of Exact Sciences
Classification: Likely benign for UNC13A-related condition. Last evaluated: 2022-02-02. Review status: no assertion criteria provided. Collection method: clinical testing. Allele origin: germline.
Comment: This variant is classified as likely benign based on ACMG/AMP sequence variant interpretation guidelines (Richards et al. 2015 PMID: 25741868, with internal and published modifications).

NM_001080421.3(UNC13A):c.2241C>T (p.Asp747=)

Gene: UNC13A (unc-13 homolog A; minus strand). Cytogenetic location: 19p13.11.
Variant type: single nucleotide variant.
Coding change: c.2241C>T on transcript NM_001080421.3 (MANE Select); coding-DNA position 2241, C replaced by T.
Protein change: p.Asp747=; no amino-acid change (aspartic acid 747 retained).
Molecular consequence: synonymous variant.
Genome position (GRCh38, 1-based): chr19:17,645,789, G>A on the plus strand (C>T on the coding strand, the complement: UNC13A is on the minus strand). VCF-style: chr19-17645789-G-A. GRCh37 (hg19) VCF-style: chr19-17756598-G-A.
Other names: c.2235C>T, p.Asp745= (NM_001387021.1, NM_001387022.1, NM_001387023.1).
Identifiers: ClinVar variation 3031584 (VCV003031584.2), dbSNP rs373430076, ClinGen allele CA9298295.